The following is an entry in ClinVar:

ClinVar aggregate classification (germline): Uncertain significance (1 of 4 stars; one submission).

gnomAD v4.1: 1 of 1,612,914 alleles (0.000062%); no homozygotes.

Submission:

Women's Health and Genetics/Laboratory Corporation of America, LabCorp
Classification: Uncertain significance. Last evaluated: 2024-02-19. Review status: criteria provided, single submitter. Criteria: LabCorp Variant Classification Summary - May 2015. Collection method: clinical testing. Allele origin: germline.
Comment: Variant summary: TTN c.22432G>A (p.Gly7478Arg) results in a non-conservative amino acid change located in the I-band region of the encoded protein sequence. Three of three in-silico tools predict a damaging effect of the variant on protein function. The variant allele was found at a frequency of 1.6e-06 in 623404 control chromosomes (gnomAD v4.0). The available data on variant occurrences in the general population are insufficient to allow any conclusion about variant significance. To our knowledge, no occurrence of c.22432G>A in individuals affected with Limb-Girdle Muscular Dystrophy, Type 2J and no experimental evidence demonstrating its impact on protein function have been reported. No submitters have cited clinical-significance assessments for this variant to ClinVar. Based on the evidence outlined above, the variant was classified as uncertain significance.

NM_001267550.2(TTN):c.26164G>A (p.Gly8722Arg)

Gene: TTN (titin; minus strand). Cytogenetic location: 2q31.2.
Variant type: single nucleotide variant.
Coding change: c.26164G>A on transcript NM_001267550.2 (MANE Select); coding-DNA position 26164, G replaced by A.
Protein change: p.Gly8722Arg; replaces glycine 8722 with arginine.
Molecular consequence: missense variant. On other transcripts: intron variant (3).
Genome position (GRCh38, 1-based): chr2:178,715,022, C>T on the plus strand (G>A on the coding strand, the complement: TTN is on the minus strand). VCF-style: chr2-178715022-C-T. GRCh37 (hg19) VCF-style: chr2-179579749-C-T.
Other names: c.25213G>A, p.Gly8405Arg (NM_001256850.1); c.22432G>A, p.Gly7478Arg (NM_133378.4); c.13282+23060G>A (NM_003319.4); c.13858+23060G>A (NM_133437.4); c.13657+23060G>A (NM_133432.3); short protein forms G7478R, G8405R, G8722R.
Identifiers: ClinVar variation 3068816 (VCV003068816.2), dbSNP rs2529079394, ClinGen allele CA349473566.